The following is an entry in ClinVar:

NM_001130009.3(GEN1):c.2528C>G (p.Pro843Arg)

Gene: GEN1 (GEN1 Holliday junction 5' flap endonuclease; plus strand). Cytogenetic location: 2p24.2.
Variant type: single nucleotide variant.
Coding change: c.2528C>G on transcript NM_001130009.3 (MANE Select); coding-DNA position 2528, C replaced by G.
Protein change: p.Pro843Arg; replaces proline 843 with arginine.
Molecular consequence: missense variant.
Genome position (GRCh38, 1-based): chr2:17,781,740, C>G. VCF-style: chr2-17781740-C-G. GRCh37 (hg19) VCF-style: chr2-17963007-C-G.
Other names: c.2528C>G, p.Pro843Arg (NM_182625.5); short protein forms P843R.
Identifiers: ClinVar variation 3853625 (VCV003853625.1).

ClinVar aggregate classification (germline): Uncertain significance (1 of 4 stars; one submission).

Submission:

Ambry Genetics
Classification: Uncertain significance. Last evaluated: 2025-03-10. Review status: criteria provided, single submitter. Criteria: Ambry Variant Classification Scheme 2023. Collection method: clinical testing. Allele origin: germline.
Comment: The p.P843R variant (also known as c.2528C>G), located in coding exon 13 of the GEN1 gene, results from a C to G substitution at nucleotide position 2528. The proline at codon 843 is replaced by arginine, an amino acid with dissimilar properties. This amino acid position is conserved. In addition, this alteration is predicted to be tolerated by in silico analysis. Based on the available evidence, the clinical significance of this variant remains unclear.